The following is an entry in ClinVar:

ClinVar aggregate classification (germline): Uncertain significance (1 of 4 stars; one submission).

Allele frequency attached by ClinVar (database versions not stated): gnomAD 0.00001; 1000 Genomes Project 0.00020; 1000 Genomes Project 30x 0.00031.
gnomAD v4.1: 4 of 1,588,046 alleles (0.00025%); highest among the groups gnomAD compares: East Asian, 0.0069%; no homozygotes.

Submission:

GeneDx
Classification: Uncertain significance. Last evaluated: 2022-01-26. Review status: criteria provided, single submitter. Criteria: GeneDx Variant Classification Process June 2021. Collection method: clinical testing. Allele origin: germline. Affected: yes.
Comment: In silico analysis supports that this missense variant does not alter protein structure/function; Has not been previously published as pathogenic or benign to our knowledge

NM_018896.5(CACNA1G):c.3311C>A (p.Thr1104Asn)

Gene: CACNA1G (calcium voltage-gated channel subunit alpha1 G; plus strand). Cytogenetic location: 17q21.33.
Variant type: single nucleotide variant.
Coding change: c.3311C>A on transcript NM_018896.5 (MANE Select); coding-DNA position 3311, C replaced by A.
Protein change: p.Thr1104Asn; replaces threonine 1104 with asparagine.
Molecular consequence: missense variant. On other transcripts: non-coding transcript variant (5).
Genome position (GRCh38, 1-based): chr17:50,599,480, C>A. VCF-style: chr17-50599480-C-A. GRCh37 (hg19) VCF-style: chr17-48676841-C-A.
Other names: c.3311C>A, p.Thr1104Asn (NM_001256324.2, NM_001256325.2, NM_001256326.2 and 16 more transcripts); c.3242C>A, p.Thr1081Asn (NM_001256332.2, NM_198376.3, NM_198379.3 and 5 more transcripts); short protein forms T1081N, T1104N.
Identifiers: ClinVar variation 1699787 (VCV001699787.2), dbSNP rs539332121, ClinGen allele CA291619991.